The following is an entry in ClinVar:

ClinVar aggregate classification (germline): Uncertain significance (1 of 4 stars; one submission).

Allele frequency attached by ClinVar (database versions not stated): gnomAD exomes below 0.00001.
gnomAD v4.1: 2 of 1,603,192 alleles (0.00012%); highest among the groups gnomAD compares: Non-Finnish European, 0.00017%; no homozygotes.

Submission:

Labcorp Genetics (formerly Invitae), Labcorp
Classification: Uncertain significance. Last evaluated: 2023-06-25. Review status: criteria provided, single submitter. Criteria: Invitae Variant Classification Sherloc (09022015). Collection method: clinical testing. Allele origin: germline.
Comment: In summary, the available evidence is currently insufficient to determine the role of this variant in disease. Therefore, it has been classified as a Variant of Uncertain Significance. Advanced modeling of protein sequence and biophysical properties (such as structural, functional, and spatial information, amino acid conservation, physicochemical variation, residue mobility, and thermodynamic stability) has been performed at Invitae for this missense variant, however the output from this modeling did not meet the statistical confidence thresholds required to predict the impact of this variant on CACNA1E protein function. This variant has not been reported in the literature in individuals affected with CACNA1E-related conditions. This variant is not present in population databases (gnomAD no frequency). This sequence change replaces alanine, which is neutral and non-polar, with serine, which is neutral and polar, at codon 1102 of the CACNA1E protein (p.Ala1102Ser).

NM_001205293.3(CACNA1E):c.3304G>T (p.Ala1102Ser)

Gene: CACNA1E (calcium voltage-gated channel subunit alpha1 E; plus strand). Cytogenetic location: 1q25.3.
Variant type: single nucleotide variant.
Coding change: c.3304G>T on transcript NM_001205293.3 (MANE Select); coding-DNA position 3304, G replaced by T.
Protein change: p.Ala1102Ser; replaces alanine 1102 with serine.
Molecular consequence: missense variant.
Genome position (GRCh38, 1-based): chr1:181,736,316, G>T. VCF-style: chr1-181736316-G-T. GRCh37 (hg19) VCF-style: chr1-181705452-G-T.
Other names: c.3304G>T, p.Ala1102Ser (NM_000721.4); c.3247G>T, p.Ala1083Ser (NM_001205294.2); short protein forms A1083S, A1102S.
Identifiers: ClinVar variation 2983256 (VCV002983256.3), dbSNP rs2528747498, ClinGen allele CA343621511.
Genomic context (GRCh38, chr1:181,736,316, plus strand): 5'-CAACGTGTTCCTCTTGCAGTTAGCAACAAGACGGATGGGGAAGCCAGTCCCTTGAAGGAG[G>T]CAGAGATCAGAGAGGATGAGGAGGAGGTGGAGAAGAAGAAGCAGAAGAAGGAGAAGCGTG-3'
Protein context (NP_001192222.1, residues 1092-1112): TDGEASPLKE[Ala1102Ser]EIREDEEEVE